The following is an entry in ClinVar:

ClinVar aggregate classification (germline): Uncertain significance (1 of 4 stars; one submission).

Submission:

GeneDx
Classification: Uncertain significance. Last evaluated: 2022-11-01. Review status: criteria provided, single submitter. Criteria: GeneDx Variant Classification Process June 2021. Collection method: clinical testing. Allele origin: germline. Affected: yes.
Comment: Not observed at significant frequency in large population cohorts (gnomAD); In silico analysis supports that this missense variant has a deleterious effect on protein structure/function; Has not been previously published as pathogenic or benign to our knowledge

NM_030912.3(TRIM8):c.315G>T (p.Lys105Asn)

Gene: TRIM8 (tripartite motif containing 8; plus strand). Cytogenetic location: 10q24.32.
Variant type: single nucleotide variant.
Coding change: c.315G>T on transcript NM_030912.3 (MANE Select); coding-DNA position 315, G replaced by T.
Protein change: p.Lys105Asn; replaces lysine 105 with asparagine.
Molecular consequence: missense variant. On other transcripts: non-coding transcript variant (1).
Genome position (GRCh38, 1-based): chr10:102,644,932, G>T. VCF-style: chr10-102644932-G-T. GRCh37 (hg19) VCF-style: chr10-104404689-G-T.
Other names: c.315G>T, p.Lys105Asn (NM_001345950.1); short protein forms K105N.
Identifiers: ClinVar variation 2500505 (VCV002500505.1), dbSNP rs1334648055, ClinGen allele CA377924919.